The following is an entry in ClinVar:

NM_025074.7(FRAS1):c.3190C>T (p.Arg1064Cys)

Gene: FRAS1 (Fraser extracellular matrix complex subunit 1; plus strand). Cytogenetic location: 4q21.21.
Variant type: single nucleotide variant.
Coding change: c.3190C>T on transcript NM_025074.7 (MANE Select); coding-DNA position 3190, C replaced by T.
Protein change: p.Arg1064Cys; replaces arginine 1064 with cysteine.
Molecular consequence: missense variant.
Genome position (GRCh38, 1-based): chr4:78,375,777, C>T. VCF-style: chr4-78375777-C-T. GRCh37 (hg19) VCF-style: chr4-79296931-C-T.
Other names: c.3190C>T, p.Arg1064Cys (NM_001166133.2); short protein forms R1064C.
Identifiers: ClinVar variation 1475259 (VCV001475259.5), dbSNP rs375063448, ClinGen allele CA2976865.

ClinVar aggregate classification (germline): Uncertain significance. Review status: criteria provided, multiple submitters, no conflicts (2 of 4 stars). 2 submissions from 2 submitters: Uncertain significance (2). Last evaluated 2024-05-02.

Conditions:
Fraser syndrome 1 (FRASRS1). Also called: CRYPTOPHTHALMOS WITH OTHER MALFORMATIONS. Identifiers: Orphanet 2052, MedGen C4551480, MONDO:0054737, OMIM 219000.

Allele frequency attached by ClinVar (database versions not stated): ESP Exome Variant Server 0.00016; 1000 Genomes Project 30x 0.00031; 1000 Genomes Project 0.00040.
gnomAD v4.1: 64 of 1,609,894 alleles (0.004%); highest among the groups gnomAD compares: Middle Eastern, 0.017%; no homozygotes.

Submissions (2):

Fulgent Genetics
Classification: Uncertain significance for Fraser syndrome 1. Last evaluated: 2024-05-02. Review status: criteria provided, single submitter. Criteria: ACMG Guidelines, 2015. Collection method: clinical testing. Allele origin: germline.

Labcorp Genetics (formerly Invitae), Labcorp
Classification: Uncertain significance. Last evaluated: 2022-06-27. Review status: criteria provided, single submitter. Criteria: Invitae Variant Classification Sherloc (09022015). Collection method: clinical testing. Allele origin: germline.
Comment: This sequence change replaces arginine, which is basic and polar, with cysteine, which is neutral and slightly polar, at codon 1064 of the FRAS1 protein (p.Arg1064Cys). This variant is present in population databases (rs375063448, gnomAD 0.02%). This variant has not been reported in the literature in individuals affected with FRAS1-related conditions. Algorithms developed to predict the effect of missense changes on protein structure and function are either unavailable or do not agree on the potential impact of this missense change (SIFT: "Deleterious"; PolyPhen-2: "Possibly Damaging"; Align-GVGD: "Class C15"). In summary, the available evidence is currently insufficient to determine the role of this variant in disease. Therefore, it has been classified as a Variant of Uncertain Significance.